The following is an entry in ClinVar:

NM_000302.4(PLOD1):c.1096G>T (p.Ala366Ser)

Gene: PLOD1 (procollagen-lysine,2-oxoglutarate 5-dioxygenase 1; plus strand). Cytogenetic location: 1p36.22.
Variant type: single nucleotide variant.
Coding change: c.1096G>T on transcript NM_000302.4 (MANE Select); coding-DNA position 1096, G replaced by T.
Protein change: p.Ala366Ser; replaces alanine 366 with serine.
Molecular consequence: missense variant.
Genome position (GRCh38, 1-based): chr1:11,960,766, G>T. VCF-style: chr1-11960766-G-T. GRCh37 (hg19) VCF-style: chr1-12020823-G-T.
Other names: c.1237G>T, p.Ala413Ser (NM_001316320.2); short protein forms A366S, A413S.
Identifiers: ClinVar variation 3934561 (VCV003934561.1).

ClinVar aggregate classification (germline): Uncertain significance (1 of 4 stars; one submission).

Conditions:
Familial thoracic aortic aneurysm and aortic dissection (TAAD). Also called: Thoracic aortic aneurysms and dissections. Identifiers: Orphanet 91387, MedGen C4707243, MONDO:0019625.

Submission:

Ambry Genetics
Classification: Uncertain significance for Familial thoracic aortic aneurysm and aortic dissection. Last evaluated: 2025-05-10. Review status: criteria provided, single submitter. Criteria: Ambry Variant Classification Scheme 2023. Collection method: clinical testing. Allele origin: germline.
Comment: The p.A366S variant (also known as c.1096G>T), located in coding exon 10 of the PLOD1 gene, results from a G to T substitution at nucleotide position 1096. The alanine at codon 366 is replaced by serine, an amino acid with similar properties. This amino acid position is conserved. In addition, this alteration is predicted to be tolerated by in silico analysis. Based on the available evidence, the clinical significance of this variant remains unclear.